The following is an entry in ClinVar:

NM_004415.4(DSP):c.7684T>G (p.Ser2562Ala)

Gene: DSP (desmoplakin; plus strand). Cytogenetic location: 6p24.3.
Variant type: single nucleotide variant.
Coding change: c.7684T>G on transcript NM_004415.4 (MANE Select); coding-DNA position 7684, T replaced by G.
Protein change: p.Ser2562Ala; replaces serine 2562 with alanine.
Molecular consequence: missense variant.
Genome position (GRCh38, 1-based): chr6:7,584,946, T>G. VCF-style: chr6-7584946-T-G. GRCh37 (hg19) VCF-style: chr6-7585179-T-G.
Other names: c.5887T>G, p.Ser1963Ala (NM_001008844.3); c.6355T>G, p.Ser2119Ala (NM_001319034.2); short protein forms S1963A, S2119A, S2562A.
Identifiers: ClinVar variation 3075257 (VCV003075257.1), dbSNP rs2533947448, ClinGen allele CA362693553.

ClinVar aggregate classification (germline): Uncertain significance (1 of 4 stars; one submission).

Conditions:
Arrhythmogenic cardiomyopathy with wooly hair and keratoderma. Also called: PALMOPLANTAR KERATODERMA WITH LEFT VENTRICULAR CARDIOMYOPATHY AND WOOLLY HAIR; Carvajal syndrome; Dilated cardiomyopathy with woolly hair and keratoderma; Arrhythmogenic cardiomyopathy with woolly hair and keratoderma. Identifiers: Orphanet 65282, MedGen C1854063, MONDO:0011581, OMIM 605676.

Submission:

All of Us Research Program, National Institutes of Health
Classification: Uncertain significance for Arrhythmogenic cardiomyopathy with wooly hair and keratoderma. Last evaluated: 2024-01-03. Review status: criteria provided, single submitter. Criteria: ACMG Guidelines, 2015. Collection method: clinical testing. Allele origin: germline. Inheritance: Autosomal dominant inheritance. Observed: 1 variant allele, 1 heterozygote.
Comment: This missense variant replaces serine with alanine at codon 2562 of the DSP protein. Computational prediction suggests that this variant may not impact protein structure and function (internally defined REVEL score threshold <= 0.5, PMID: 27666373). To our knowledge, functional studies have not been reported for this variant. This variant has not been reported in individuals affected with DSP-related disorders in the literature. This variant has not been identified in the general population by the Genome Aggregation Database (gnomAD). The available evidence is insufficient to determine the role of this variant in disease conclusively. Therefore, this variant is classified as a Variant of Uncertain Significance.

This study involves interpretation of variants in research participants for the purpose of population health screening. Participant phenotype was not available at the time of variant classification. Additional details can be found in publication PMID: 35346344, PMCID: PMC8962531